The following is an entry in ClinVar:

ClinVar aggregate classification (germline): Uncertain significance (1 of 4 stars; one submission).

Conditions:
Autosomal recessive ataxia, Beauce type. Also called: SYNE1-Related Autosomal Recessive Cerebellar Ataxia; Spinocerebellar ataxia, autosomal recessive 8; ATAXIA, RECESSIVE, OF BEAUCE; SYNE1 Deficiency. Identifiers: Orphanet 88644, MedGen C1853116, MONDO:0012549, OMIM 610743.
Emery-Dreifuss muscular dystrophy 4, autosomal dominant (EDMD4). Also called: EMERY-DREIFUSS MUSCULAR DYSTROPHY 4 WITH VARIABLE FEATURES. Identifiers: Orphanet 261, MedGen C2751807, MONDO:0013071, OMIM 612998.

gnomAD v4.1: 4 of 1,572,226 alleles (0.00025%); highest among the groups gnomAD compares: Non-Finnish European, 0.00035%; no homozygotes.

Submission:

Labcorp Genetics (formerly Invitae), Labcorp
Classification: Uncertain significance for Emery-Dreifuss muscular dystrophy 4, autosomal dominant; Autosomal recessive ataxia, Beauce type. Last evaluated: 2021-07-27. Review status: criteria provided, single submitter. Criteria: Invitae Variant Classification Sherloc (09022015). Collection method: clinical testing. Allele origin: germline.
Comment: This variant has not been reported in the literature in individuals affected with SYNE1-related conditions. In summary, the available evidence is currently insufficient to determine the role of this variant in disease. Therefore, it has been classified as a Variant of Uncertain Significance. Algorithms developed to predict the effect of missense changes on protein structure and function (SIFT, PolyPhen-2, Align-GVGD) all suggest that this variant is likely to be disruptive. This variant is not present in population databases (ExAC no frequency). This sequence change replaces glutamine with glutamic acid at codon 6880 of the SYNE1 protein (p.Gln6880Glu). The glutamine residue is highly conserved and there is a small physicochemical difference between glutamine and glutamic acid.

NM_182961.4(SYNE1):c.20851C>G (p.Gln6951Glu)

Gene: SYNE1 (spectrin repeat containing nuclear envelope protein 1; minus strand). Cytogenetic location: 6q25.2.
Variant type: single nucleotide variant.
Coding change: c.20851C>G on transcript NM_182961.4 (MANE Select); coding-DNA position 20851, C replaced by G.
Protein change: p.Gln6951Glu; replaces glutamine 6951 with glutamic acid.
Molecular consequence: missense variant.
Genome position (GRCh38, 1-based): chr6:152,232,127, G>C on the plus strand (C>G on the coding strand, the complement: SYNE1 is on the minus strand). VCF-style: chr6-152232127-G-C. GRCh37 (hg19) VCF-style: chr6-152553262-G-C.
Other names: c.20638C>G, p.Gln6880Glu (NM_033071.5); short protein forms Q6880E, Q6951E.
Identifiers: ClinVar variation 1494338 (VCV001494338.8), dbSNP rs2153517122, ClinGen allele CA366115593.